The following is an entry in ClinVar:

ClinVar aggregate classification (germline): Uncertain significance (1 of 4 stars; one submission).

Conditions:
Pheochromocytoma. Also called: MAX-Related Hereditary Paraganglioma-Pheochromocytoma Syndrome. Identifiers: Orphanet 29072, MedGen C0031511, MONDO:0008233, OMIM 171300, HP:0002666.
Gastrointestinal stromal tumor. Also called: Gastrointestinal stromal tumor, somatic; Gastrointestinal stroma tumor. Identifiers: Orphanet 44890, MedGen C0238198, MeSH D046152, MONDO:0011719, OMIM 606764, HP:0100723.
Pheochromocytoma/paraganglioma syndrome 4. Also called: SDHB-Related Hereditary Paraganglioma-Pheochromocytoma Syndrome; PARAGANGLIOMA, FAMILIAL MALIGNANT; PARAGANGLIOMAS, HEREDITARY EXTRAADRENAL; PHEOCHROMOCYTOMA, FAMILIAL EXTRAADRENAL; Paragangliomas 4; CAROTID BODY TUMORS AND MULTIPLE EXTRAADRENAL PHEOCHROMOCYTOMAS. Identifiers: Orphanet 29072, MedGen C1861848, MONDO:0007273, OMIM 115310.

Submission:

Labcorp Genetics (formerly Invitae), Labcorp
Classification: Uncertain significance for Gastrointestinal stromal tumor; Pheochromocytoma/paraganglioma syndrome 4; Pheochromocytoma. Last evaluated: 2022-10-04. Review status: criteria provided, single submitter. Criteria: Invitae Variant Classification Sherloc (09022015). Collection method: clinical testing. Allele origin: germline.
Comment: Advanced modeling of protein sequence and biophysical properties (such as structural, functional, and spatial information, amino acid conservation, physicochemical variation, residue mobility, and thermodynamic stability) performed at Invitae indicates that this missense variant is expected to disrupt SDHB protein function. In summary, the available evidence is currently insufficient to determine the role of this variant in disease. Therefore, it has been classified as a Variant of Uncertain Significance. ClinVar contains an entry for this variant (Variation ID: 570629). This variant has not been reported in the literature in individuals affected with SDHB-related conditions. This variant is present in population databases (no rsID available, gnomAD 0.01%). This sequence change replaces lysine, which is basic and polar, with asparagine, which is neutral and polar, at codon 267 of the SDHB protein (p.Lys267Asn).

NM_003000.3(SDHB):c.801G>C (p.Lys267Asn)

Gene: SDHB (succinate dehydrogenase complex iron sulfur subunit B; minus strand). Cytogenetic location: 1p36.13.
Variant type: single nucleotide variant.
Coding change: c.801G>C on transcript NM_003000.3 (MANE Select); coding-DNA position 801, G replaced by C.
Protein change: p.Lys267Asn; replaces lysine 267 with asparagine.
Molecular consequence: missense variant.
Genome position (GRCh38, 1-based): chr1:17,018,923, C>G on the plus strand (G>C on the coding strand, the complement: SDHB is on the minus strand). VCF-style: chr1-17018923-C-G. GRCh37 (hg19) VCF-style: chr1-17345418-C-G.
Other names: short protein forms K267N.
Identifiers: ClinVar variation 570629 (VCV000570629.6), dbSNP rs771388711, ClinGen allele CA338268911.